The following is an entry in ClinVar:

NM_003335.3(UBA7):c.1904+3A>G

Gene: UBA7 (ubiquitin like modifier activating enzyme 7; minus strand). Cytogenetic location: 3p21.31.
Variant type: single nucleotide variant.
Coding change: c.1904+3A>G on transcript NM_003335.3 (MANE Select); 3 bases into the intron after coding-DNA position 1904, A replaced by G.
Molecular consequence: intron variant.
Genome position (GRCh38, 1-based): chr3:49,809,812, T>C on the plus strand (A>G on the coding strand, the complement: UBA7 is on the minus strand). VCF-style: chr3-49809812-T-C. GRCh37 (hg19) VCF-style: chr3-49847245-T-C.
Identifiers: ClinVar variation 981909 (VCV000981909.1), dbSNP rs2081514066, ClinGen allele CA1139658079.
Genomic context (GRCh38, chr3:49,809,812, plus strand): 5'-CTGAGTCCTGCAGACTCATGCTTGGAGCCCTGGACTCCCATCTGCCTCTGTTGGTGGCCT[T>C]ACTGTTGGTGGTGGTTGATGGTCTCTGCAGACAGTCGGAAGAGTTCTTCAAACTCATGCC-3'

ClinVar aggregate classification (germline): Uncertain significance (1 of 4 stars; one submission).

Conditions:
Intellectual disability. Also called: Intellectual functioning disability; intellectual disabilities; Intellectual developmental disorder. Identifiers: MedGen C3714756, MeSH D008607, MONDO:0001071, HP:0001249.

Submission:

Center for Statistical Genetics, Columbia University
Classification: Uncertain significance for Intellectual disability. Last evaluated: 2020-10-16. Review status: criteria provided, single submitter. Criteria: ACMG Guidelines, 2015. Collection method: research. Allele origin: de novo. Affected: yes.
Comment: mosaic variant